The following is an entry in ClinVar:

ClinVar aggregate classification (germline): Uncertain significance. Review status: criteria provided, multiple submitters, no conflicts (2 of 4 stars). 3 submissions from 3 submitters: Uncertain significance (3). Last evaluated 2025-05-30.

Allele frequency attached by ClinVar (database versions not stated): ExAC 0.00003; gnomAD exomes 0.00004; TOPMed 0.00004; gnomAD 0.00006; ESP Exome Variant Server 0.00015.
gnomAD v4.1: 124 of 1,612,324 alleles (0.0077%); highest among the groups gnomAD compares: Non-Finnish European, 0.0095%; no homozygotes.

Submissions (3):

GeneDx
Classification: Uncertain significance. Last evaluated: 2025-05-30. Review status: criteria provided, single submitter. Criteria: GeneDx Variant Classification Process June 2021. Collection method: clinical testing. Allele origin: germline. Affected: yes.
Comment: In silico analysis supports that this missense variant has a deleterious effect on protein structure/function; Has not been previously published as pathogenic or benign to our knowledge

Labcorp Genetics (formerly Invitae), Labcorp
Classification: Uncertain significance. Last evaluated: 2021-09-03. Review status: criteria provided, single submitter. Criteria: Invitae Variant Classification Sherloc (09022015). Collection method: clinical testing. Allele origin: germline.
Comment: This sequence change replaces serine with leucine at codon 320 of the OTOF protein (p.Ser320Leu). The serine residue is highly conserved and there is a large physicochemical difference between serine and leucine. This variant is present in population databases (rs371666216, ExAC 0.005%). This variant has not been reported in the literature in individuals affected with OTOF-related conditions. ClinVar contains an entry for this variant (Variation ID: 667297). Algorithms developed to predict the effect of missense changes on protein structure and function are either unavailable or do not agree on the potential impact of this missense change (SIFT: "Deleterious"; PolyPhen-2: "Probably Damaging"; Align-GVGD: "Class C0"). Algorithms developed to predict the effect of sequence changes on RNA splicing suggest that this variant may disrupt the consensus splice site. In summary, the available evidence is currently insufficient to determine the role of this variant in disease. Therefore, it has been classified as a Variant of Uncertain Significance.

Laboratory for Molecular Medicine, Mass General Brigham Personalized Medicine
Classification: Uncertain significance. Last evaluated: 2018-04-10. Review status: criteria provided, single submitter. Criteria: LMM Criteria. Collection method: clinical testing. Allele origin: germline. Observed: 1 variant allele.
Comment: The p.Ser320Leu variant in OTOF has not been previously reported in individuals with hearing loss, but has been identified in 11/126364 European chromosomes by the Genome Aggregation Database (gnomAD; dbSNP rs371666216). This variant is located in the last three bases of the exon, whic h is part of the 5? splice region. Computational tools do not predict altered sp licing. However, this information is not predictive enough to rule out pathogeni city. Additional computational prediction tools and conservation analysis do not provide strong support for or against an impact of the missense change on the p rotein. In summary, the clinical significance of the p.Ser320Leu variant is unce rtain. ACMG/AMP Criteria applied: none.

NM_194248.3(OTOF):c.959C>T (p.Ser320Leu)

Gene: OTOF (otoferlin; minus strand). Cytogenetic location: 2p23.3.
Variant type: single nucleotide variant.
Coding change: c.959C>T on transcript NM_194248.3 (MANE Select); coding-DNA position 959, C replaced by T.
Protein change: p.Ser320Leu; replaces serine 320 with leucine.
Molecular consequence: missense variant.
Genome position (GRCh38, 1-based): chr2:26,489,679, G>A on the plus strand (C>T on the coding strand, the complement: OTOF is on the minus strand). VCF-style: chr2-26489679-G-A. GRCh37 (hg19) VCF-style: chr2-26712547-G-A.
Other names: c.959C>T, p.Ser320Leu (NM_001287489.2); short protein forms S320L.
Identifiers: ClinVar variation 667297 (VCV000667297.8), dbSNP rs371666216, ClinGen allele CA1564445.